The following is an entry in ClinVar:

ClinVar aggregate classification (germline): Likely pathogenic. Review status: criteria provided, single submitter (1 of 4 stars). 3 submissions from 2 submitters: Likely pathogenic (1). 2 of the submissions do not count toward it. Last evaluated 2026-09-08.

Conditions:
Fabry disease. Also called: ALPHA-GALACTOSIDASE A DEFICIENCY; ANDERSON-FABRY DISEASE; CERAMIDE TRIHEXOSIDASE DEFICIENCY; Fabry's disease; Angiokeratoma corporis diffusum; Ceramide trihexosidosis. Identifiers: Orphanet 324, MedGen C0002986, MONDO:0010526, OMIM 301500, HP:0001071. Disease mechanism: loss of function, Fabry disease is due to inactivating mutations in the X-linked GLA gene resulting in deficiency of the enzyme Alpha Galactosidase-A..
Migalastat response. Also called: 1-Deoxygalactonojirimycin response; Galafold response. Identifiers: MedGen CN233149.

Submissions (3):

Genomenon, Inc
Classification: Likely pathogenic for Fabry disease. Last evaluated: 2026-09-08. Review status: criteria provided, single submitter. Criteria: Genomenon Sequence Variant Interpretation Standards - Updated. Collection method: curation. Allele origin: germline. Affected: yes.
Comment: GLA p.Gln327Leu (c.980A>T) is a missense variant that changes the amino acid at codon 327 from Glutamine to Leucine. This variant has been observed in at least one proband with clinical features consistent with Fabry disease (PMID:26415523;30159316). At least one functional study has demonstrated a substantial alteration in protein function relative to the wild-type (PMID:26415523). It is absent or not present at a significant frequency in gnomAD. In silico models predict that this variant is possibly or probably damaging. In conclusion, we classify GLA p.Gln327Leu (c.980A>T) as a likely pathogenic variant.

Albrecht-Kossel-Institute, Medical University Rostock
Classification: Pathogenic for Fabry's disease. Last evaluated: 2014-01-01. Review status: no assertion criteria provided. Collection method: research. Allele origin: inherited. Not counted in ClinVar's aggregate classification.

Albrecht-Kossel-Institute, Medical University Rostock
Classification: drug response for deoxygalactonojirimycin response. Last evaluated: 2014-01-01. Review status: no assertion criteria provided. Collection method: research. Allele origin: inherited. Not counted in ClinVar's aggregate classification.

Literature cited by the submitters: PubMed 26415523 (cited by Genomenon, Inc and Albrecht-Kossel-Institute, Medical University Rostock); PubMed 30159316 (cited by Genomenon, Inc).

NM_000169.3(GLA):c.980A>T (p.Gln327Leu)

Genes: GLA (galactosidase alpha; minus strand), RPL36A-HNRNPH2 (RPL36A-HNRNPH2 readthrough; plus strand). Cytogenetic location: Xq22.1.
Variant type: single nucleotide variant.
Coding change: c.980A>T on transcript NM_000169.3 (MANE Select); coding-DNA position 980, A replaced by T.
Protein change: p.Gln327Leu; replaces glutamine 327 with leucine.
Molecular consequence: missense variant. On other transcripts: non-coding transcript variant (3), intron variant (2).
Genome position (GRCh38, 1-based): chrX:101,398,389, T>A on the plus strand (A>T on the coding strand, the complement: GLA is on the minus strand). VCF-style: chrX-101398389-T-A. GRCh37 (hg19) VCF-style: chrX-100653377-T-A.
Other names: c.1103A>T, p.Gln368Leu (NM_001406747.1); c.980A>T, p.Gln327Leu (NM_001406748.1); c.300+2932T>A (NM_001199973.2); c.177+6567T>A (NM_001199974.2); short protein forms Q327L, Q368L.
Identifiers: ClinVar variation 217408 (VCV000217408.3), dbSNP rs869312160, ClinGen allele CA353272.
Genomic context (GRCh38, chrX:101,398,389, plus strand): 5'-TGGGTATATAAAGCCATCTTAAAATATATACTCTTATTTACCTGTCTAAGCTGGTACCCT[T>A]GCTTGCCCAAGGGGTCCTGATTGATGGCAATTACGTCCTTATCCTGAAGGAGAGCTTTGG-3'
Protein context (NP_000160.1, residues 317-337): IAINQDPLGK[Gln327Leu]GYQLRQGDNF